The following is an entry in ClinVar:

ClinVar aggregate classification (germline): Uncertain significance (1 of 4 stars; one submission).

Allele frequency attached by ClinVar (database versions not stated): gnomAD exomes below 0.00001.
gnomAD v4.1: 1 of 1,613,182 alleles (0.000062%); highest among the groups gnomAD compares: Non-Finnish European, 0.000085%; no homozygotes.

Submission:

Labcorp Genetics (formerly Invitae), Labcorp
Classification: Uncertain significance. Last evaluated: 2025-03-03. Review status: criteria provided, single submitter. Criteria: Invitae Variant Classification Sherloc (09022015). Collection method: clinical testing. Allele origin: germline.
Comment: This sequence change replaces proline, which is neutral and non-polar, with serine, which is neutral and polar, at codon 213 of the KMT2B protein (p.Pro213Ser). This variant is not present in population databases (gnomAD no frequency). This variant has not been reported in the literature in individuals affected with KMT2B-related conditions. ClinVar contains an entry for this variant (Variation ID: 2988038). Invitae Evidence Modeling of protein sequence and biophysical properties (such as structural, functional, and spatial information, amino acid conservation, physicochemical variation, residue mobility, and thermodynamic stability) indicates that this missense variant is not expected to disrupt KMT2B protein function with a negative predictive value of 80%. Algorithms developed to predict the effect of sequence changes on RNA splicing suggest that this variant may create or strengthen a splice site. In summary, the available evidence is currently insufficient to determine the role of this variant in disease. Therefore, it has been classified as a Variant of Uncertain Significance.

NM_014727.3(KMT2B):c.637C>T (p.Pro213Ser)

Gene: KMT2B (lysine methyltransferase 2B; plus strand). Cytogenetic location: 19q13.12.
Variant type: single nucleotide variant.
Coding change: c.637C>T on transcript NM_014727.3 (MANE Select); coding-DNA position 637, C replaced by T.
Protein change: p.Pro213Ser; replaces proline 213 with serine.
Molecular consequence: missense variant.
Genome position (GRCh38, 1-based): chr19:35,719,984, C>T. VCF-style: chr19-35719984-C-T. GRCh37 (hg19) VCF-style: chr19-36210886-C-T.
Other names: short protein forms P213S.
Identifiers: ClinVar variation 2988038 (VCV002988038.3), dbSNP rs2513311791, ClinGen allele CA405379853.